The following is an entry in ClinVar:

ClinVar aggregate classification (germline): Benign/Likely benign. Review status: criteria provided, multiple submitters, no conflicts (2 of 4 stars). 2 submissions from 2 submitters: Benign (1); Likely benign (1). Last evaluated 2018-06-13.

Conditions:
Hecht syndrome (DA7). Also called: MOUTH, INABILITY TO OPEN COMPLETELY, AND SHORT FINGER-FLEXOR TENDONS; Dutch-Kentucky syndrome. Identifiers: Orphanet 3377, MedGen C0265226, MONDO:0008016, OMIM 158300. Disease mechanism: gain of function.

Allele frequency attached by ClinVar (database versions not stated): gnomAD 0.00012; ESP Exome Variant Server 0.00015; TOPMed 0.00032; 1000 Genomes Project 30x 0.00047.
gnomAD v4.1: 392 of 1,614,242 alleles (0.024%); highest among the groups gnomAD compares: East Asian, 0.8%; 3 homozygotes.

Submissions (2):

Labcorp Genetics (formerly Invitae), Labcorp
Classification: Benign. Last evaluated: 2018-06-13. Review status: criteria provided, single submitter. Criteria: Invitae Variant Classification Sherloc (09022015). Collection method: clinical testing. Allele origin: germline.

Illumina Laboratory Services, Illumina
Classification: Likely benign for Hecht syndrome. Last evaluated: 2017-04-27. Review status: criteria provided, single submitter. Criteria: ICSL Variant Classification Criteria 13 December 2019. Collection method: clinical testing. Allele origin: germline.
Comment: This variant was observed as part of a predisposition screen in an ostensibly healthy population. A literature search was performed for the gene, cDNA change, and amino acid change (where applicable). Publications were found based on this search. The evidence from the literature, in combination with allele frequency data from public databases where available, was sufficient to determine this variant is unlikely to cause disease. Therefore, this variant is classified as likely benign.

Literature cited by the submitters: PubMed 25305228 (cited by Illumina Laboratory Services, Illumina).

NM_002472.3(MYH8):c.1815T>A (p.Asn605Lys)

Genes: MYHAS (myosin heavy chain gene cluster antisense RNA; plus strand), MYH8 (myosin heavy chain 8; minus strand). Cytogenetic location: 17p13.1.
Variant type: single nucleotide variant.
Coding change: c.1815T>A on transcript NM_002472.3 (MANE Select); coding-DNA position 1815, T replaced by A.
Protein change: p.Asn605Lys; replaces asparagine 605 with lysine.
Molecular consequence: missense variant.
Genome position (GRCh38, 1-based): chr17:10,409,361, A>T on the plus strand (T>A on the coding strand, the complement: MYH8 is on the minus strand). VCF-style: chr17-10409361-A-T. GRCh37 (hg19) VCF-style: chr17-10312678-A-T.
Other names: short protein forms N605K.
Identifiers: ClinVar variation 750566 (VCV000750566.7), dbSNP rs151091483, ClinGen allele CA8387971.
Genomic context (GRCh38, chr17:10,409,361, plus strand): 5'-GGAAAAGAGACTGGCTAGAGTCTTCATTGCAGACTTCTGGTACAGCCCAACCACAGTATC[A>T]TTCAGGGGGTCCTTATTTTTGTCCAGCCAGCCAGTAATGTTGTAGTCCACAGTGCCAGCA-3'
Protein context (NP_002463.2, residues 595-615): GWLDKNKDPL[Asn605Lys]DTVVGLYQKS